The following is an entry in ClinVar:

ClinVar aggregate classification (germline): Likely benign (0 of 4 stars; one submission).

Conditions:
KIDINS220-related disorder. Also called: KIDINS220-related condition.

gnomAD v4.1: 3 of 1,613,504 alleles (0.00019%); highest among the groups gnomAD compares: African/African-American, 0.0013%; no homozygotes.

Submission:

PreventionGenetics, part of Exact Sciences
Classification: Likely benign for KIDINS220-related condition. Last evaluated: 2022-11-23. Review status: no assertion criteria provided. Collection method: clinical testing. Allele origin: germline.
Comment: This variant is classified as likely benign based on ACMG/AMP sequence variant interpretation guidelines (Richards et al. 2015 PMID: 25741868, with internal and published modifications).

NM_020738.4(KIDINS220):c.3246C>T (p.Leu1082=)

Gene: KIDINS220 (kinase D interacting substrate 220; minus strand). Cytogenetic location: 2p25.1.
Variant type: single nucleotide variant.
Coding change: c.3246C>T on transcript NM_020738.4 (MANE Select); coding-DNA position 3246, C replaced by T.
Protein change: p.Leu1082=; no amino-acid change (leucine 1082 retained).
Molecular consequence: synonymous variant. On other transcripts: non-coding transcript variant (2).
Genome position (GRCh38, 1-based): chr2:8,750,280, G>A on the plus strand (C>T on the coding strand, the complement: KIDINS220 is on the minus strand). VCF-style: chr2-8750280-G-A. GRCh37 (hg19) VCF-style: chr2-8890410-G-A.
Other names: c.3249C>T, p.Leu1083= (NM_001348729.2, NM_001348731.2, NM_001348734.2 and 2 more transcripts); c.3246C>T, p.Leu1082= (NM_001348732.2, NM_001348735.2, NM_001348738.2 and 3 more transcripts); c.3120C>T, p.Leu1040= (NM_001348736.2).
Identifiers: ClinVar variation 3353713 (VCV003353713.1).